The following is an entry in ClinVar:

NM_000093.5(COL5A1):c.1239C>T (p.Asp413=)

Gene: COL5A1 (collagen type V alpha 1 chain; plus strand). Cytogenetic location: 9q34.3.
Variant type: single nucleotide variant.
Coding change: c.1239C>T on transcript NM_000093.5 (MANE Select); coding-DNA position 1239, C replaced by T.
Protein change: p.Asp413=; no amino-acid change (aspartic acid 413 retained).
Molecular consequence: synonymous variant.
Genome position (GRCh38, 1-based): chr9:134,731,570, C>T. VCF-style: chr9-134731570-C-T. GRCh37 (hg19) VCF-style: chr9-137623416-C-T.
Other names: p.Asp413=; c.1239C>T, p.Asp413= (NM_001278074.1).
Identifiers: ClinVar variation 706261 (VCV000706261.18), dbSNP rs775974461, ClinGen allele CA5318684.

ClinVar aggregate classification (germline): Likely benign. Review status: criteria provided, multiple submitters, no conflicts (2 of 4 stars). 5 submissions from 5 submitters: Likely benign (5). Last evaluated 2026-01-26.

Conditions:
Familial thoracic aortic aneurysm and aortic dissection (TAAD). Also called: Thoracic aortic aneurysms and dissections. Identifiers: Orphanet 91387, MedGen C4707243, MONDO:0019625.
Ehlers-Danlos syndrome, classic type, 1 (EDSCL1). Also called: EDS I; EHLERS-DANLOS SYNDROME, GRAVIS TYPE; EHLERS-DANLOS SYNDROME, SEVERE CLASSIC TYPE; Ehlers-Danlos Syndrome, Classic Type, COL5A1-Related; Ehlers-Danlos syndrome, type 1. Identifiers: MedGen C0268335, MONDO:0019567, OMIM 130000.

Allele frequency attached by ClinVar (database versions not stated): gnomAD 0.00001; ExAC 0.00002; TOPMed 0.00001; gnomAD exomes 0.00002.
gnomAD v4.1: 29 of 1,614,086 alleles (0.0018%); highest among the groups gnomAD compares: South Asian, 0.0066%; no homozygotes.

Submissions (5):

Women's Health and Genetics/Laboratory Corporation of America, LabCorp
Classification: Likely benign. Last evaluated: 2026-01-26. Review status: criteria provided, single submitter. Criteria: LabCorp Variant Classification Summary - May 2015. Collection method: clinical testing. Allele origin: germline.

Labcorp Genetics (formerly Invitae), Labcorp
Classification: Likely benign for Ehlers-Danlos syndrome, classic type, 1. Last evaluated: 2025-05-22. Review status: criteria provided, single submitter. Criteria: Invitae Variant Classification Sherloc (09022015). Collection method: clinical testing. Allele origin: germline.

Ambry Genetics
Classification: Likely benign for Familial thoracic aortic aneurysm and aortic dissection. Last evaluated: 2025-04-30. Review status: criteria provided, single submitter. Criteria: Ambry Variant Classification Scheme 2023. Collection method: clinical testing. Allele origin: germline.

Mayo Clinic Laboratories, Mayo Clinic
Classification: Likely benign. Last evaluated: 2025-01-21. Review status: criteria provided, single submitter. Criteria: ACMG Guidelines, 2015. Collection method: clinical testing. Allele origin: germline. Observed: 1 variant allele.
Comment: BP4, BP7

GeneDx
Classification: Likely benign. Last evaluated: 2020-06-18. Review status: criteria provided, single submitter. Criteria: GeneDx Variant Classification Process June 2021. Collection method: clinical testing. Allele origin: germline. Affected: yes.